The following is an entry in ClinVar:

ClinVar aggregate classification (germline): Uncertain significance (1 of 4 stars; one submission).

Conditions:
Inborn genetic diseases. Identifiers: MedGen C0950123, MeSH D030342.

gnomAD v4.1: 8 of 1,613,848 alleles (0.0005%); highest among the groups gnomAD compares: Non-Finnish European, 0.00068%; no homozygotes.

Submission:

Ambry Genetics
Classification: Uncertain significance for Inborn genetic diseases. Last evaluated: 2022-09-22. Review status: criteria provided, single submitter. Criteria: Ambry Variant Classification Scheme 2023. Collection method: clinical testing. Allele origin: germline.
Comment: The p.M4260I variant (also known as c.12780G>A), located in coding exon 69 of the DST gene, results from a G to A substitution at nucleotide position 12780. The methionine at codon 4260 is replaced by isoleucine, an amino acid with highly similar properties. This amino acid position is not well conserved in available vertebrate species. In addition, this alteration is predicted to be tolerated by in silico analysis. Since supporting evidence is limited at this time, the clinical significance of this alteration remains unclear.

NM_001374736.1(DST):c.19137G>A (p.Met6379Ile)

Gene: DST (dystonin; minus strand). Cytogenetic location: 6p12.1.
Variant type: single nucleotide variant.
Coding change: c.19137G>A on transcript NM_001374736.1 (MANE Select); coding-DNA position 19137, G replaced by A.
Protein change: p.Met6379Ile; replaces methionine 6379 with isoleucine.
Molecular consequence: missense variant.
Genome position (GRCh38, 1-based): chr6:56,508,631, C>T on the plus strand (G>A on the coding strand, the complement: DST is on the minus strand). VCF-style: chr6-56508631-C-T. GRCh37 (hg19) VCF-style: chr6-56373429-C-T.
Other names: c.12780G>A, p.Met4260Ile (NM_001144769.5); c.12366G>A, p.Met4122Ile (NM_001144770.2); c.19137G>A, p.Met6379Ile (NM_001374722.1); c.18177G>A, p.Met6059Ile (NM_001374729.1); c.11919G>A, p.Met3973Ile (NM_001374730.1); c.19164G>A, p.Met6388Ile (NM_001374734.1); c.12246G>A, p.Met4082Ile (NM_001386100.1, NM_183380.4); c.11268G>A, p.Met3756Ile (NM_015548.5); short protein forms M3756I, M6059I, M6379I, M4082I, M4122I, M6388I, M3973I, M4260I.
Identifiers: ClinVar variation 1766963 (VCV001766963.2), dbSNP rs879004545, ClinGen allele CA364523542.